The following is an entry in ClinVar:

ClinVar aggregate classification (germline): Likely benign (1 of 4 stars; one submission).

Submission:

CeGaT Center for Human Genetics Tuebingen
Classification: Likely benign. Last evaluated: 2025-01-01. Review status: criteria provided, single submitter. Criteria: CeGaT Center For Human Genetics Tuebingen Variant Classification Criteria Version 2. Collection method: clinical testing. Allele origin: germline. Affected: yes. Observed: 1 variant allele.
Comment: SLC5A12: BP4, BP7

NM_178498.4(SLC5A12):c.1356G>A (p.Val452=)

Gene: SLC5A12 (solute carrier family 5 member 12; minus strand). Cytogenetic location: 11p14.2.
Variant type: single nucleotide variant.
Coding change: c.1356G>A on transcript NM_178498.4 (MANE Select); coding-DNA position 1356, G replaced by A.
Protein change: p.Val452=; no amino-acid change (valine 452 retained).
Molecular consequence: synonymous variant.
Genome position (GRCh38, 1-based): chr11:26,681,174, C>T on the plus strand (G>A on the coding strand, the complement: SLC5A12 is on the minus strand). VCF-style: chr11-26681174-C-T. GRCh37 (hg19) VCF-style: chr11-26702721-C-T.
Identifiers: ClinVar variation 3771955 (VCV003771955.13).